The following is an entry in ClinVar:

NM_000520.6(HEXA):c.1099G>A (p.Gly367Ser)

Gene: HEXA (hexosaminidase subunit alpha; minus strand). Cytogenetic location: 15q23.
Variant type: single nucleotide variant.
Coding change: c.1099G>A on transcript NM_000520.6 (MANE Select); coding-DNA position 1099, G replaced by A.
Protein change: p.Gly367Ser; replaces glycine 367 with serine.
Molecular consequence: missense variant.
Genome position (GRCh38, 1-based): chr15:72,347,733, C>T on the plus strand (G>A on the coding strand, the complement: HEXA is on the minus strand). VCF-style: chr15-72347733-C-T. GRCh37 (hg19) VCF-style: chr15-72640074-C-T.
Other names: c.1132G>A, p.Gly378Ser (NM_001318825.2); short protein forms G367S, G378S.
Identifiers: ClinVar variation 1479900 (VCV001479900.5), dbSNP rs2140321869, ClinGen allele CA393061759.
Genomic context (GRCh38, chr15:72,347,733, plus strand): 5'-TGCCCCGGCTCACCTTTACTTTATTATCAAACACCTCCTGCCACACCACATAGCCCTTGC[C>T]ATAAGAAGAGACGATGTCCAGCAGCCTGGAGAGGAGAGGAGTGTCTAGTAAGTGTCTGCT-3'
Protein context (NP_000511.2, residues 357-377): QTLLDIVSSY[Gly367Ser]KGYVVWQEVF

ClinVar aggregate classification (germline): Uncertain significance (1 of 4 stars; one submission).

Conditions:
Tay-Sachs disease (TSD). Also called: HEXA DEFICIENCY; GM2 gangliosidosis, type 1; Hexosaminidase alpha-subunit deficiency (variant B); Sphingolipidosis, Tay-Sachs; Hexosaminidase A Deficiency; HEXA Disorders. Identifiers: Orphanet 845, MedGen C0039373, MONDO:0010100, OMIM 272800.

Submission:

Labcorp Genetics (formerly Invitae), Labcorp
Classification: Uncertain significance for Tay-Sachs disease. Last evaluated: 2021-08-26. Review status: criteria provided, single submitter. Criteria: Invitae Variant Classification Sherloc (09022015). Collection method: clinical testing. Allele origin: germline.
Comment: This sequence change replaces glycine with serine at codon 367 of the HEXA protein (p.Gly367Ser). The glycine residue is moderately conserved and there is a small physicochemical difference between glycine and serine. This variant is not present in population databases (ExAC no frequency). This variant has not been reported in the literature in individuals affected with HEXA-related conditions. Algorithms developed to predict the effect of missense changes on protein structure and function output the following: SIFT: "Tolerated"; PolyPhen-2: "Benign"; Align-GVGD: "Class C0". The serine amino acid residue is found in multiple mammalian species, which suggests that this missense change does not adversely affect protein function. Algorithms developed to predict the effect of sequence changes on RNA splicing suggest that this variant may create or strengthen a splice site. In summary, the available evidence is currently insufficient to determine the role of this variant in disease. Therefore, it has been classified as a Variant of Uncertain Significance.